The following is an entry in ClinVar:

ClinVar aggregate classification (germline): Likely benign. Review status: criteria provided, single submitter (1 of 4 stars). 2 submissions from 2 submitters: Likely benign (1). 1 of the submissions does not count toward it. Last evaluated 2025-09-29.

Conditions:
CEP290-related disorder. Also called: CEP290-related condition; CEP290-related disorders. Identifiers: MedGen CN239314.
Joubert syndrome. Also called: CEREBELLOPARENCHYMAL DISORDER IV; JOUBERT-BOLTSHAUSER SYNDROME; Familial aplasia of the vermis. Identifiers: Orphanet 475, MedGen C5979921, MONDO:0018772.
Nephronophthisis. Also called: Juvenile Nephronophthisis. Identifiers: Orphanet 655, MedGen C0687120, MONDO:0019005, HP:0000090.
Meckel-Gruber syndrome. Also called: DYSENCEPHALIA SPLANCHNOCYSTICA; GRUBER SYNDROME; Dysencephalia splachnocystica. Identifiers: Orphanet 564, MedGen C0265215, MONDO:0018921.

Allele frequency attached by ClinVar (database versions not stated): gnomAD 0.00001; TOPMed 0.00003.
gnomAD v4.1: 10 of 1,545,830 alleles (0.00065%); highest among the groups gnomAD compares: African/African-American, 0.012%; no homozygotes.

Submissions (2):

Labcorp Genetics (formerly Invitae), Labcorp
Classification: Likely benign for Joubert syndrome; Meckel-Gruber syndrome; Nephronophthisis. Last evaluated: 2025-09-29. Review status: criteria provided, single submitter. Criteria: Invitae Variant Classification Sherloc (09022015). Collection method: clinical testing. Allele origin: germline.

PreventionGenetics, part of Exact Sciences
Classification: Likely benign for CEP290-related condition. Last evaluated: 2024-02-06. Review status: no assertion criteria provided. Collection method: clinical testing. Allele origin: germline. Not counted in ClinVar's aggregate classification.
Comment: This variant is classified as likely benign based on ACMG/AMP sequence variant interpretation guidelines (Richards et al. 2015 PMID: 25741868, with internal and published modifications).

NM_025114.4(CEP290):c.103-17C>T

Gene: CEP290 (centrosomal protein 290; minus strand). Cytogenetic location: 12q21.32.
Variant type: single nucleotide variant.
Coding change: c.103-17C>T on transcript NM_025114.4 (MANE Select); 17 bases into the intron before coding-DNA position 103, C replaced by T.
Molecular consequence: intron variant.
Genome position (GRCh38, 1-based): chr12:88,141,050, G>A on the plus strand (C>T on the coding strand, the complement: CEP290 is on the minus strand). VCF-style: chr12-88141050-G-A. GRCh37 (hg19) VCF-style: chr12-88534827-G-A.
Other names: c.103-17C>T (NM_025114.3).
Identifiers: ClinVar variation 1557432 (VCV001557432.9), dbSNP rs976920583, ClinGen allele CA241168663.
Genomic context (GRCh38, chr12:88,141,050, plus strand): 5'-ATCACATTTTCTTGCTTTTCACTTTTTAGCTCATTTACTTCCACCTAAGTAAACAGAAAA[G>A]CAACTGTTTTATATTTTATAACCTTCAAGCAAAATATAAGAACACTTCCAGATTGTGACA-3'